The following is an entry in ClinVar:

NM_003622.4(PPFIBP1):c.358-2_358-1delinsCC

Gene: PPFIBP1 (PPFIA binding protein 1; plus strand). Cytogenetic location: 12p11.22.
Variant type: Indel.
Coding change: c.358-2_358-1delinsCC on transcript NM_003622.4 (MANE Select); the canonical splice acceptor site of the intron before coding-DNA position 358, AG replaced by CC.
Molecular consequence: splice acceptor variant.
Genome position (GRCh38, 1-based): chr12:27,647,727-27,647,728, AG replaced by CC. VCF-style: chr12-27647727-AG-CC. GRCh37 (hg19) VCF-style: chr12-27800660-AG-CC.
Other names: c.358-2_358-1delinsCC (NM_177444.3, NM_001198916.2); c.-102-2_-102-1delinsCC (NM_001198915.2).
Identifiers: ClinVar variation 3063807 (VCV003063807.1), dbSNP rs2544259795, ClinGen allele CA2740092349.
Genomic context (GRCh38, chr12:27,647,727, plus strand): 5'-TAACGTATGCAGTGGGACCCAAATTCTTTTTCACTCATTGCATTATTTTGCTCTAAATAC[AG>CC]GTAAGTGTGTTAACAGACCAGGTGGAGGCTCAGGGAGAGAAGATTCGAGATTTGGAGTTT-3'

ClinVar aggregate classification (germline): Likely pathogenic (1 of 4 stars; one submission).

Conditions:
Neurodevelopmental disorder with seizures, microcephaly, and brain abnormalities (NEDSMBA). Identifiers: MedGen C5774209, MONDO:0859283, OMIM 620024.

Submission:

Women's Health and Genetics/Laboratory Corporation of America, LabCorp
Classification: Likely pathogenic for Neurodevelopmental disorder with seizures, microcephaly, and brain abnormalities. Last evaluated: 2024-01-08. Review status: criteria provided, single submitter. Criteria: LabCorp Variant Classification Summary - May 2015. Collection method: clinical testing. Allele origin: germline.
Comment: Variant summary: PPFIBP1 c.358-2_358-1delinsCC is located in a canonical splice-site and is predicted to affect mRNA splicing resulting in a significantly altered protein due to either exon skipping, shortening, or inclusion of intronic material. Several computational tools predict a significant impact on normal splicing: Four predict the variant abolishes a 3' acceptor site. However, these predictions have yet to be confirmed by functional studies. The variant was absent in 263278 control chromosomes (gnomAD). To our knowledge, no occurrence of c.358-2_358-1delinsCC in individuals affected with Neurodevelopmental Disorder With Seizures, Microcephaly, And Brain Abnormalities and no experimental evidence demonstrating its impact on protein function have been reported. No submitters have cited clinical-significance assessments for this variant to ClinVar. Based on the evidence outlined above, the variant was classified as likely pathogenic.